The following is an entry in ClinVar:

NM_003136.4(SRP54):c.1488del (p.Gly497fs)

Gene: SRP54 (signal recognition particle 54; plus strand). Cytogenetic location: 14q13.2.
Variant type: Deletion.
Coding change: c.1488del on transcript NM_003136.4 (MANE Select); coding-DNA position 1488, one base deleted (A; older notation c.1488delA).
Protein change: p.Gly497fs; shifts the reading frame from glycine 497.
Molecular consequence: frameshift variant.
Genome position (GRCh38, 1-based): chr14:35,029,125, A deleted; the last of 3 consecutive A bases (chr14:35,029,123-35,029,125); deleting any one gives the same sequence. VCF-style (leftmost placement, unchanged base first): chr14-35029122-GA-G. GRCh37 (hg19) VCF-style: chr14-35498328-GA-G.
Other names: c.1341del, p.Gly448fs (NM_001146282.2); c.1317del, p.Gly440fs (NM_001411017.1); short protein forms G440fs, G448fs, G497fs.
Identifiers: ClinVar variation 2505814 (VCV002505814.1), dbSNP rs2502807455, ClinGen allele CA2580616579.

ClinVar aggregate classification (germline): Uncertain significance (1 of 4 stars; one submission).

Submission:

GeneDx
Classification: Uncertain significance. Last evaluated: 2022-12-19. Review status: criteria provided, single submitter. Criteria: GeneDx Variant Classification Process June 2021. Collection method: clinical testing. Allele origin: germline. Affected: yes.
Comment: Not observed at significant frequency in large population cohorts (gnomAD); Has not been previously published as pathogenic or benign to our knowledge; Frameshift variant predicted to result in protein truncation, as the last 8 amino acids are replaced with 1 different amino acid